The following is an entry in ClinVar:

NM_020461.4(TUBGCP6):c.3677G>A (p.Gly1226Glu)

Gene: TUBGCP6 (tubulin gamma complex component 6; minus strand). Cytogenetic location: 22q13.33.
Variant type: single nucleotide variant.
Coding change: c.3677G>A on transcript NM_020461.4 (MANE Select); coding-DNA position 3677, G replaced by A.
Protein change: p.Gly1226Glu; replaces glycine 1226 with glutamic acid.
Molecular consequence: missense variant.
Genome position (GRCh38, 1-based): chr22:50,220,682, C>T on the plus strand (G>A on the coding strand, the complement: TUBGCP6 is on the minus strand). VCF-style: chr22-50220682-C-T. GRCh37 (hg19) VCF-style: chr22-50659111-C-T.
Other names: short protein forms G1226E.
Identifiers: ClinVar variation 1439746 (VCV001439746.8), dbSNP rs748554536, ClinGen allele CA10307859.

ClinVar aggregate classification (germline): Uncertain significance (1 of 4 stars; one submission).

Allele frequency attached by ClinVar (database versions not stated): TOPMed below 0.00001; ExAC 0.00001; gnomAD exomes 0.00001.

Submission:

Labcorp Genetics (formerly Invitae), Labcorp
Classification: Uncertain significance. Last evaluated: 2022-06-27. Review status: criteria provided, single submitter. Criteria: Invitae Variant Classification Sherloc (09022015). Collection method: clinical testing. Allele origin: germline.
Comment: This variant is present in population databases (rs748554536, gnomAD 0.006%). This sequence change replaces glycine, which is neutral and non-polar, with glutamic acid, which is acidic and polar, at codon 1226 of the TUBGCP6 protein (p.Gly1226Glu). This variant has not been reported in the literature in individuals affected with TUBGCP6-related conditions. Algorithms developed to predict the effect of missense changes on protein structure and function are either unavailable or do not agree on the potential impact of this missense change (SIFT: "Deleterious"; PolyPhen-2: "Probably Damaging"; Align-GVGD: "Class C0"). In summary, the available evidence is currently insufficient to determine the role of this variant in disease. Therefore, it has been classified as a Variant of Uncertain Significance.